The following is an entry in ClinVar:

NM_006922.4(SCN3A):c.1702T>C (p.Ser568Pro)

Gene: SCN3A (sodium voltage-gated channel alpha subunit 3; minus strand). Cytogenetic location: 2q24.3.
Variant type: single nucleotide variant.
Coding change: c.1702T>C on transcript NM_006922.4 (MANE Select); coding-DNA position 1702, T replaced by C.
Protein change: p.Ser568Pro; replaces serine 568 with proline.
Molecular consequence: missense variant.
Genome position (GRCh38, 1-based): chr2:165,140,968, A>G on the plus strand (T>C on the coding strand, the complement: SCN3A is on the minus strand). VCF-style: chr2-165140968-A-G. GRCh37 (hg19) VCF-style: chr2-165997478-A-G.
Other names: c.1702T>C, p.Ser568Pro (NM_001081676.2, NM_001081677.2); short protein forms S568P.
Identifiers: ClinVar variation 4891347 (VCV004891347.1).

ClinVar aggregate classification (germline): Uncertain significance (1 of 4 stars; one submission).

Submission:

GeneDx
Classification: Uncertain significance. Last evaluated: 2026-02-21. Review status: criteria provided, single submitter. Criteria: GeneDx Variant Classification Process June 2021. Collection method: clinical testing. Allele origin: germline.
Comment: Not observed at significant frequency in large population cohorts (gnomAD); In silico analysis supports that this missense variant has a deleterious effect on protein structure/function; Has not been previously published as pathogenic or benign to our knowledge